The following is an entry in ClinVar:

ClinVar aggregate classification (germline): Conflicting classifications of pathogenicity. Review status: criteria provided, conflicting classifications (1 of 4 stars). 2 submissions from 2 submitters: Uncertain significance (1); Likely benign (1). Last evaluated 2025-06-12.

Submissions (2):

Labcorp Genetics (formerly Invitae), Labcorp
Classification: Likely benign. Last evaluated: 2025-06-12. Review status: criteria provided, single submitter. Criteria: Invitae Variant Classification Sherloc (09022015). Collection method: clinical testing. Allele origin: germline.

GeneDx
Classification: Uncertain significance. Last evaluated: 2019-03-28. Review status: criteria provided, single submitter. Criteria: GeneDx Variant Classification Process June 2021. Collection method: clinical testing. Allele origin: germline. Affected: yes.
Comment: Not observed at a significant frequency in large population cohorts (Lek et al., 2016); In-silico analysis, which includes splice predictors and evolutionary conservation, is inconclusive as to whether the variant alters gene splicing. In the absence of RNA/functional studies, the actual effect of this sequence change is unknown; Has not been previously published as pathogenic or benign to our knowledge

NM_001356.5(DDX3X):c.1616-7_1616-6del

Gene: DDX3X (DEAD-box helicase 3 X-linked; plus strand). Cytogenetic location: Xp11.4.
Variant type: Microsatellite.
Coding change: c.1616-7_1616-6del on transcript NM_001356.5 (MANE Select); 7 bases into the intron before coding-DNA position 1616 through 6 bases into the intron before coding-DNA position 1616, 2 bases deleted (CT; older notation c.1616-7_1616-6delCT).
Molecular consequence: intron variant.
Genome position (GRCh38, 1-based): chrX:41,346,852-41,346,853, CT deleted; deleting any 2 consecutive bases within chrX:41,346,850-41,346,853 gives the same sequence; the c. name uses the placement nearest the transcript's 3' end. VCF-style (leftmost placement, unchanged base first): chrX-41346849-ACT-A. GRCh37 (hg19) VCF-style: chrX-41206102-ACT-A.
Other names: c.1616-7_1616-6del (NM_001193416.3); c.1568-7_1568-6del (NM_001193417.3); c.1058-7_1058-6del (NM_001363819.1).
Identifiers: ClinVar variation 1308244 (VCV001308244.5), dbSNP rs1302694358, ClinGen allele CA641899941.